The following is an entry in ClinVar:

ClinVar aggregate classification (germline): Uncertain significance (1 of 4 stars; one submission).

gnomAD v4.1: 12 of 1,612,978 alleles (0.00074%); highest among the groups gnomAD compares: African/African-American, 0.015%; no homozygotes.

Submission:

Labcorp Genetics (formerly Invitae), Labcorp
Classification: Uncertain significance. Last evaluated: 2024-09-17. Review status: criteria provided, single submitter. Criteria: Invitae Variant Classification Sherloc (09022015). Collection method: clinical testing. Allele origin: germline.
Comment: This sequence change replaces leucine, which is neutral and non-polar, with phenylalanine, which is neutral and non-polar, at codon 297 of the CSF2RB protein (p.Leu297Phe). This variant is present in population databases (rs151112655, gnomAD 0.03%). This variant has not been reported in the literature in individuals affected with CSF2RB-related conditions. Invitae Evidence Modeling of protein sequence and biophysical properties (such as structural, functional, and spatial information, amino acid conservation, physicochemical variation, residue mobility, and thermodynamic stability) indicates that this missense variant is not expected to disrupt CSF2RB protein function with a negative predictive value of 80%. In summary, the available evidence is currently insufficient to determine the role of this variant in disease. Therefore, it has been classified as a Variant of Uncertain Significance.

NM_000395.3(CSF2RB):c.889C>T (p.Leu297Phe)

Gene: CSF2RB (colony stimulating factor 2 receptor subunit beta; plus strand). Cytogenetic location: 22q12.3.
Variant type: single nucleotide variant.
Coding change: c.889C>T on transcript NM_000395.3 (MANE Select); coding-DNA position 889, C replaced by T.
Protein change: p.Leu297Phe; replaces leucine 297 with phenylalanine.
Molecular consequence: missense variant.
Genome position (GRCh38, 1-based): chr22:36,930,707, C>T. VCF-style: chr22-36930707-C-T. GRCh37 (hg19) VCF-style: chr22-37326749-C-T.
Other names: c.907C>T, p.Leu303Phe (NM_001410827.1); short protein forms L303F, L297F.
Identifiers: ClinVar variation 2983324 (VCV002983324.3), dbSNP rs151112655, ClinGen allele CA10213637.